The following is an entry in ClinVar:

NM_000540.3(RYR1):c.7299C>T (p.Leu2433=)

Gene: RYR1 (ryanodine receptor 1; plus strand). Cytogenetic location: 19q13.2.
Variant type: single nucleotide variant.
Coding change: c.7299C>T on transcript NM_000540.3 (MANE Select); coding-DNA position 7299, C replaced by T.
Protein change: p.Leu2433=; no amino-acid change (leucine 2433 retained).
Molecular consequence: synonymous variant.
Genome position (GRCh38, 1-based): chr19:38,499,992, C>T. VCF-style: chr19-38499992-C-T. GRCh37 (hg19) VCF-style: chr19-38990632-C-T.
Other names: c.7299C>T, p.Leu2433= (NM_001042723.2); c.7299C>T (NM_000540.2).
Identifiers: ClinVar variation 1117387 (VCV001117387.13), dbSNP rs564179468, ClinGen allele CA069459.
Genomic context (GRCh38, chr19:38,499,992, plus strand): 5'-AAACCGGGTGCACCTGGGACACGCCATCATGTCCTTCTATGCCGCCTTGATCGACCTGCT[C>T]GGACGCTGTGCACCAGAGATGCATGTGAGACCCTGAGCCAGGGCAGGATGGGAAGGGAGG-3'
Protein context (NP_000531.2, residues 2423-2443): MSFYAALIDL[Leu2433=]GRCAPEMHLI

ClinVar aggregate classification (germline): Likely benign. Review status: criteria provided, multiple submitters, no conflicts (2 of 4 stars). 4 submissions from 4 submitters: Likely benign (3). 1 of the submissions does not count toward it. Last evaluated 2024-09-08.

Conditions:
RYR1-related disorder. Also called: RYR1-related condition; RYR1-related disorders. Identifiers: MedGen CN239331.
Malignant hyperthermia, susceptibility to, 1 (MHS1). Also called: Malignant hyperthermia suceptibility 1; Anesthesia related hyperthermia; Malignant hyperpyrexia; Fulminating hyperpyrexia; Pharmacogenic myopathy; RYR1-Related Malignant Hyperthermia Susceptibility. Identifiers: Orphanet 423, MedGen C2930980, MONDO:0007783, OMIM 145600.

Allele frequency attached by ClinVar (database versions not stated): TOPMed below 0.00001; gnomAD 0.00001; gnomAD exomes 0.00004 and 0.00006; ExAC 0.00007; 1000 Genomes Project 30x 0.00016; 1000 Genomes Project 0.00020.

Submissions (4):

Labcorp Genetics (formerly Invitae), Labcorp
Classification: Likely benign for RYR1-related disorder. Last evaluated: 2024-09-08. Review status: criteria provided, single submitter. Criteria: Invitae Variant Classification Sherloc (09022015). Collection method: clinical testing. Allele origin: germline.

Blueprint Genetics
Classification: Likely benign. Last evaluated: 2023-05-23. Review status: criteria provided, single submitter. Criteria: ACMG Guidelines, 2015. Collection method: clinical testing. Allele origin: germline.

Color Diagnostics, LLC DBA Color Health
Classification: Likely benign for Malignant hyperthermia, susceptibility to, 1. Last evaluated: 2022-12-07. Review status: criteria provided, single submitter. Criteria: ACMG Guidelines, 2015. Collection method: clinical testing. Allele origin: germline.

PreventionGenetics, part of Exact Sciences
Classification: Likely benign for RYR1-related condition. Last evaluated: 2022-06-09. Review status: no assertion criteria provided. Collection method: clinical testing. Allele origin: germline. Not counted in ClinVar's aggregate classification.
Comment: This variant is classified as likely benign based on ACMG/AMP sequence variant interpretation guidelines (Richards et al. 2015 PMID: 25741868, with internal and published modifications).